The following is an entry in ClinVar:

NM_003701.4(TNFSF11):c.37C>G (p.Arg13Gly)

Genes: TNFSF11 (TNF superfamily member 11; plus strand), LOC130009662 (ATAC-STARR-seq lymphoblastoid silent region 5301; plus strand). Cytogenetic location: 13q14.11.
Variant type: single nucleotide variant.
Coding change: c.37C>G on transcript NM_003701.4 (MANE Select); coding-DNA position 37, C replaced by G.
Protein change: p.Arg13Gly; replaces arginine 13 with glycine.
Molecular consequence: missense variant. On other transcripts: intron variant (1).
Genome position (GRCh38, 1-based): chr13:42,574,340, C>G. VCF-style: chr13-42574340-C-G. GRCh37 (hg19) VCF-style: chr13-43148476-C-G.
Other names: c.-1+2602C>G (NM_033012.4); short protein forms R13G.
Identifiers: ClinVar variation 1965583 (VCV001965583.3), dbSNP rs1018033049, ClinGen allele CA249049727.
Genomic context (GRCh38, chr13:42,574,340, plus strand): 5'-TCCGAAGCGAGAGGGCCGAGCGCCATGCGCCGCGCCAGCAGAGACTACACCAAGTACCTG[C>G]GTGGCTCGGAGGAGATGGGCGGCGGCCCCGGAGCCCCGCACGAGGGCCCCCTGCACGCCC-3'
Protein context (NP_003692.1, residues 3-23): RASRDYTKYL[Arg13Gly]GSEEMGGGPG

ClinVar aggregate classification (germline): Uncertain significance (1 of 4 stars; one submission).

Submission:

Labcorp Genetics (formerly Invitae), Labcorp
Classification: Uncertain significance. Last evaluated: 2025-03-17. Review status: criteria provided, single submitter. Criteria: Invitae Variant Classification Sherloc (09022015). Collection method: clinical testing. Allele origin: germline.
Comment: This sequence change replaces arginine, which is basic and polar, with glycine, which is neutral and non-polar, at codon 13 of the TNFSF11 protein (p.Arg13Gly). This variant is present in population databases (no rsID available, gnomAD 0.01%). This variant has not been reported in the literature in individuals affected with TNFSF11-related conditions. ClinVar contains an entry for this variant (Variation ID: 1965583). An algorithm developed to predict the effect of missense changes on protein structure and function (PolyPhen-2) suggests that this variant is likely to be disruptive. In summary, the available evidence is currently insufficient to determine the role of this variant in disease. Therefore, it has been classified as a Variant of Uncertain Significance.